The following is an entry in ClinVar:

NM_133510.4(RAD51B):c.957+1G>A

Gene: RAD51B (RAD51 paralog B; plus strand). Cytogenetic location: 14q24.1.
Variant type: single nucleotide variant.
Coding change: c.957+1G>A on transcript NM_133510.4 (MANE Select); the canonical splice donor site of the intron after coding-DNA position 957, G replaced by A.
Molecular consequence: splice donor variant.
Genome position (GRCh38, 1-based): chr14:68,411,528, G>A. VCF-style: chr14-68411528-G-A. GRCh37 (hg19) VCF-style: chr14-68878245-G-A.
Other names: c.957+1G>A (NM_001321818.2, NM_001321809.2, NM_001321821.2 and 6 more transcripts); c.600+1G>A (NM_001321817.2); c.843+1G>A (NM_001321815.1).
Identifiers: ClinVar variation 4862869 (VCV004862869.1).

ClinVar aggregate classification (germline): Uncertain significance (1 of 4 stars; one submission).

gnomAD v4.1: 3 of 1,613,030 alleles (0.00019%); highest among the groups gnomAD compares: African/African-American, 0.0027%; no homozygotes.

Submission:

Ambry Genetics
Classification: Uncertain significance. Last evaluated: 2026-05-26. Review status: criteria provided, single submitter. Criteria: Ambry Variant Classification Scheme 2023. Collection method: clinical testing. Allele origin: germline.
Comment: The c.957+1G>A intronic variant results from a G to A substitution one nucleotide after coding exon 8 of the RAD51B gene. This nucleotide position is highly conserved in available vertebrate species. In silico splice site analysis predicts that this alteration will weaken the native splice donor site. The evidence for this gene-disease relationship is limited; therefore, the clinical significance of this variant is unclear.